The following is an entry in ClinVar:

NM_001378452.1(ITPR1):c.5136+6A>G

Gene: ITPR1 (inositol 1,4,5-trisphosphate receptor type 1; plus strand). Cytogenetic location: 3p26.1.
Variant type: single nucleotide variant.
Coding change: c.5136+6A>G on transcript NM_001378452.1 (MANE Select); 6 bases into the intron after coding-DNA position 5136, A replaced by G.
Molecular consequence: intron variant.
Genome position (GRCh38, 1-based): chr3:4,717,405, A>G. VCF-style: chr3-4717405-A-G. GRCh37 (hg19) VCF-style: chr3-4759089-A-G.
Other names: c.5076+5537A>G (NM_001099952.4); c.5091+6A>G (NM_001168272.2); c.5031+5537A>G (NM_002222.7).
Identifiers: ClinVar variation 4977948 (VCV004977948.1).

ClinVar aggregate classification (germline): Likely benign (1 of 4 stars; one submission).

Conditions:
ITPR1-related disorder. Also called: ITPR1-related condition.

gnomAD v4.1: 1 of 1,593,912 alleles (0.000063%); highest among the groups gnomAD compares: African/African-American, 0.0013%; no homozygotes.

Submission:

PreventionGenetics, part of Exact Sciences
Classification: Likely benign for ITPR1-related condition. Last evaluated: 2026-03-25. Review status: criteria provided, single submitter. Criteria: ACMG Guidelines, 2015. Collection method: clinical testing. Allele origin: germline.
Comment: This variant is classified as likely benign based on ACMG/AMP sequence variant interpretation guidelines (Richards et al. 2015 PMID: 25741868, with internal and published modifications).